The following is an entry in ClinVar:

NM_017654.4(SAMD9):c.1106T>C (p.Leu369Pro)

Gene: SAMD9 (sterile alpha motif domain containing 9; minus strand). Cytogenetic location: 7q21.2.
Variant type: single nucleotide variant.
Coding change: c.1106T>C on transcript NM_017654.4 (MANE Select); coding-DNA position 1106, T replaced by C.
Protein change: p.Leu369Pro; replaces leucine 369 with proline.
Molecular consequence: missense variant.
Genome position (GRCh38, 1-based): chr7:93,104,992, A>G on the plus strand (T>C on the coding strand, the complement: SAMD9 is on the minus strand). VCF-style: chr7-93104992-A-G. GRCh37 (hg19) VCF-style: chr7-92734305-A-G.
Other names: c.1106T>C, p.Leu369Pro (NM_001193307.2); c.1106T>C (NM_017654.3); short protein forms L369P.
Identifiers: ClinVar variation 1351455 (VCV001351455.7), dbSNP rs1290890913, ClinGen allele CA368202095.

ClinVar aggregate classification (germline): Uncertain significance. Review status: criteria provided, multiple submitters, no conflicts (2 of 4 stars). 2 submissions from 2 submitters: Uncertain significance (2). Last evaluated 2026-03-09.

Conditions:
Inborn genetic diseases. Identifiers: MedGen C0950123, MeSH D030342.

gnomAD v4.1: 1 of 1,613,442 alleles (0.000062%); no homozygotes.

Submissions (2):

Ambry Genetics
Classification: Uncertain significance for Inborn genetic diseases. Last evaluated: 2026-03-09. Review status: criteria provided, single submitter. Criteria: Ambry Variant Classification Scheme 2023. Collection method: clinical testing. Allele origin: germline.
Comment: The p.L369P variant (also known as c.1106T>C), located in coding exon 1 of the SAMD9 gene, results from a T to C substitution at nucleotide position 1106. The leucine at codon 369 is replaced by proline, an amino acid with similar properties. This amino acid position is conserved. In addition, this alteration is predicted to be tolerated by in silico analysis. Based on the available evidence, the clinical significance of this variant remains unclear.

Labcorp Genetics (formerly Invitae), Labcorp
Classification: Uncertain significance. Last evaluated: 2022-02-10. Review status: criteria provided, single submitter. Criteria: Invitae Variant Classification Sherloc (09022015). Collection method: clinical testing. Allele origin: germline.
Comment: This sequence change replaces leucine, which is neutral and non-polar, with proline, which is neutral and non-polar, at codon 369 of the SAMD9 protein (p.Leu369Pro). This variant is not present in population databases (gnomAD no frequency). This variant has not been reported in the literature in individuals affected with SAMD9-related conditions. Algorithms developed to predict the effect of missense changes on protein structure and function are either unavailable or do not agree on the potential impact of this missense change (SIFT: "Deleterious"; PolyPhen-2: "Possibly Damaging"; Align-GVGD: "Class C0"). In summary, the available evidence is currently insufficient to determine the role of this variant in disease. Therefore, it has been classified as a Variant of Uncertain Significance.